The following is an entry in ClinVar:

ClinVar aggregate classification (germline): Uncertain significance. Review status: criteria provided, multiple submitters, no conflicts (2 of 4 stars). 4 submissions from 4 submitters: Uncertain significance (4). Last evaluated 2024-07-20.

Conditions:
Juvenile polyposis syndrome (JPS). Identifiers: Orphanet 2929, MedGen C0345893, MONDO:0017380, OMIM 174900.
Hereditary cancer-predisposing syndrome. Also called: Hereditary Cancer Syndrome; Hereditary neoplastic syndrome; Neoplastic Syndromes, Hereditary; Tumor predisposition. Identifiers: Orphanet 140162, MedGen C0027672, MeSH D009386, MONDO:0015356.

Allele frequency attached by ClinVar (database versions not stated): TOPMed 0.00001.

Submissions (4):

All of Us Research Program, National Institutes of Health
Classification: Uncertain significance for Juvenile polyposis syndrome. Last evaluated: 2024-07-20. Review status: criteria provided, single submitter. Criteria: ACMG Guidelines, 2015. Collection method: clinical testing. Allele origin: germline. Inheritance: Autosomal dominant inheritance. Observed: 1 variant allele, 1 heterozygote.
Comment: This missense variant replaces histidine with tyrosine at codon 312 of the BMPR1A protein. Computational prediction suggests that this variant may have deleterious impact on protein structure and function (internally defined REVEL score threshold >= 0.7, PMID: 27666373). To our knowledge, functional studies have not been reported for this variant. This variant has not been reported in individuals affected with BMPR1A-related disorders in the literature. This variant has not been identified in the general population by the Genome Aggregation Database (gnomAD). The available evidence is insufficient to determine the role of this variant in disease conclusively. Therefore, this variant is classified as a Variant of Uncertain Significance.

This study involves interpretation of variants in research participants for the purpose of population health screening. Participant phenotype was not available at the time of variant classification. Additional details can be found in publication PMID: 35346344, PMCID: PMC8962531

Ambry Genetics
Classification: Uncertain significance for Hereditary cancer-predisposing syndrome. Last evaluated: 2024-05-15. Review status: criteria provided, single submitter. Criteria: Ambry Variant Classification Scheme 2023. Collection method: clinical testing. Allele origin: germline.
Comment: The p.H312Y variant (also known as c.934C>T), located in coding exon 8 of the BMPR1A gene, results from a C to T substitution at nucleotide position 934. The histidine at codon 312 is replaced by tyrosine, an amino acid with similar properties. This amino acid position is conserved. In addition, this alteration is predicted to be deleterious by in silico analysis. Based on the available evidence, the clinical significance of this variant remains unclear.

Color Diagnostics, LLC DBA Color Health
Classification: Uncertain significance for Hereditary cancer-predisposing syndrome. Last evaluated: 2023-12-04. Review status: criteria provided, single submitter. Criteria: ACMG Guidelines, 2015. Collection method: clinical testing. Allele origin: germline.
Comment: This missense variant replaces histidine with tyrosine at codon 312 of the BMPR1A protein. Computational prediction suggests that this variant may have deleterious impact on protein structure and function (internally defined REVEL score threshold >= 0.7, PMID: 27666373). To our knowledge, functional studies have not been reported for this variant. This variant has not been reported in individuals affected with BMPR1A-related disorders in the literature. This variant has not been identified in the general population by the Genome Aggregation Database (gnomAD). The available evidence is insufficient to determine the role of this variant in disease conclusively. Therefore, this variant is classified as a Variant of Uncertain Significance.

Labcorp Genetics (formerly Invitae), Labcorp
Classification: Uncertain significance for Juvenile polyposis syndrome. Last evaluated: 2021-07-24. Review status: criteria provided, single submitter. Criteria: Invitae Variant Classification Sherloc (09022015). Collection method: clinical testing. Allele origin: germline.
Comment: In summary, the available evidence is currently insufficient to determine the role of this variant in disease. Therefore, it has been classified as a Variant of Uncertain Significance. Advanced modeling of protein sequence and biophysical properties (such as structural, functional, and spatial information, amino acid conservation, physicochemical variation, residue mobility, and thermodynamic stability) performed at Invitae indicates that this missense variant is expected to disrupt BMPR1A protein function. ClinVar contains an entry for this variant (Variation ID: 925485). This variant has not been reported in the literature in individuals affected with BMPR1A-related conditions. This variant is not present in population databases (ExAC no frequency). This sequence change replaces histidine with tyrosine at codon 312 of the BMPR1A protein (p.His312Tyr). The histidine residue is highly conserved and there is a moderate physicochemical difference between histidine and tyrosine.

NM_004329.3(BMPR1A):c.934C>T (p.His312Tyr)

Gene: BMPR1A (bone morphogenetic protein receptor type 1A; plus strand). Cytogenetic location: 10q23.2.
Variant type: single nucleotide variant.
Coding change: c.934C>T on transcript NM_004329.3 (MANE Select); coding-DNA position 934, C replaced by T.
Protein change: p.His312Tyr; replaces histidine 312 with tyrosine.
Molecular consequence: missense variant.
Genome position (GRCh38, 1-based): chr10:86,919,237, C>T. VCF-style: chr10-86919237-C-T. GRCh37 (hg19) VCF-style: chr10-88678994-C-T.
Other names: short protein forms H312Y.
Identifiers: ClinVar variation 925485 (VCV000925485.14), dbSNP rs1437385150, ClinGen allele CA377460098.